The following is an entry in ClinVar:

NM_005475.3(SH2B3):c.640G>A (p.Gly214Arg)

Gene: SH2B3 (SH2B adaptor protein 3; plus strand). Cytogenetic location: 12q24.12.
Variant type: single nucleotide variant.
Coding change: c.640G>A on transcript NM_005475.3 (MANE Select); coding-DNA position 640, G replaced by A.
Protein change: p.Gly214Arg; replaces glycine 214 with arginine.
Molecular consequence: missense variant.
Genome position (GRCh38, 1-based): chr12:111,418,785, G>A. VCF-style: chr12-111418785-G-A. GRCh37 (hg19) VCF-style: chr12-111856589-G-A.
Other names: short protein forms G214R.
Identifiers: ClinVar variation 3953475 (VCV003953475.1).

ClinVar aggregate classification (germline): Uncertain significance (1 of 4 stars; one submission).

Conditions:
Inborn genetic diseases. Identifiers: MedGen C0950123, MeSH D030342.

gnomAD v4.1: 1 of 1,462,194 alleles (0.000068%); highest among the groups gnomAD compares: Admixed American, 0.0026%; no homozygotes.

Submission:

Ambry Genetics
Classification: Uncertain significance for Inborn genetic diseases. Last evaluated: 2025-04-28. Review status: criteria provided, single submitter. Criteria: Ambry Variant Classification Scheme 2023. Collection method: clinical testing. Allele origin: germline.
Comment: The p.G214R variant (also known as c.640G>A), located in coding exon 1 of the SH2B3 gene, results from a G to A substitution at nucleotide position 640. The glycine at codon 214 is replaced by arginine, an amino acid with dissimilar properties. This amino acid position is conserved. In addition, the in silico prediction for this alteration is inconclusive. Based on the available evidence, the clinical significance of this variant remains unclear.